The following is an entry in ClinVar:

NM_002458.3(MUC5B):c.1989C>T (p.Cys663=)

Gene: MUC5B (mucin 5B, oligomeric mucus/gel-forming; plus strand). Cytogenetic location: 11p15.5.
Variant type: single nucleotide variant.
Coding change: c.1989C>T on transcript NM_002458.3 (MANE Select); coding-DNA position 1989, C replaced by T.
Protein change: p.Cys663=; no amino-acid change (cysteine 663 retained).
Molecular consequence: synonymous variant.
Genome position (GRCh38, 1-based): chr11:1,232,694, C>T. VCF-style: chr11-1232694-C-T. GRCh37 (hg19) VCF-style: chr11-1253924-C-T.
Identifiers: ClinVar variation 4821190 (VCV004821190.4).

ClinVar aggregate classification (germline): Likely benign (1 of 4 stars; one submission).

gnomAD v4.1: 702 of 1,598,850 alleles (0.044%); highest among the groups gnomAD compares: African/African-American, 0.82%; 7 homozygotes.

Submission:

CeGaT Center for Human Genetics Tuebingen
Classification: Likely benign. Last evaluated: 2026-03-01. Review status: criteria provided, single submitter. Criteria: CeGaT Center For Human Genetics Tuebingen Variant Classification Criteria Version 2. Collection method: clinical testing. Allele origin: germline. Affected: yes. Observed: 1 variant allele.
Comment: MUC5B: BP4, BP7